The following is an entry in ClinVar:

NM_001003800.2(BICD2):c.990C>G (p.Pro330=)

Gene: BICD2 (BICD cargo adaptor 2; minus strand). Cytogenetic location: 9q22.31.
Variant type: single nucleotide variant.
Coding change: c.990C>G on transcript NM_001003800.2 (MANE Select); coding-DNA position 990, C replaced by G.
Protein change: p.Pro330=; no amino-acid change (proline 330 retained).
Molecular consequence: synonymous variant.
Genome position (GRCh38, 1-based): chr9:92,720,372, G>C on the plus strand (C>G on the coding strand, the complement: BICD2 is on the minus strand). VCF-style: chr9-92720372-G-C. GRCh37 (hg19) VCF-style: chr9-95482654-G-C.
Other names: c.990C>G, p.Pro330= (NM_015250.4).
Identifiers: ClinVar variation 1594000 (VCV001594000.26), dbSNP rs371444272, ClinGen allele CA196341709.
Genomic context (GRCh38, chr9:92,720,372, plus strand): 5'-CTGCTTCAGCTTCTGGATCTCAGAGATGTTGAGCTCACTGAGTAGGTCGGAGACGAGGCT[G>C]GGGGAGGGCGGTGCGAGGCCCTCCTTCTTGGGCGTGGAGGTCTTGTTGTCCAGTGGCAGC-3'
Protein context (NP_001003800.1, residues 320-340): PKKEGLAPPS[Pro330=]SLVSDLLSEL

ClinVar aggregate classification (germline): Likely benign. Review status: criteria provided, multiple submitters, no conflicts (2 of 4 stars). 2 submissions from 2 submitters: Likely benign (2). Last evaluated 2025-10-07.

Conditions:
Autosomal dominant childhood-onset proximal spinal muscular atrophy with contractures (SMALED2A). Also called: SPINAL MUSCULAR ATROPHY, LOWER EXTREMITY-PREDOMINANT, 2A, CHILDHOOD ONSET, AUTOSOMAL DOMINANT; Spinal muscular atrophy, lower extremity-predominant, 2A, autosomal dominant. Identifiers: Orphanet 363447, Orphanet 363454, MedGen C4747715, MONDO:0014121, OMIM 615290.

Allele frequency attached by ClinVar (database versions not stated): ESP Exome Variant Server 0.00008.
gnomAD v4.1: 32 of 1,613,864 alleles (0.002%); highest among the groups gnomAD compares: Non-Finnish European, 0.0021%; no homozygotes.

Submissions (2):

Labcorp Genetics (formerly Invitae), Labcorp
Classification: Likely benign for Autosomal dominant childhood-onset proximal spinal muscular atrophy with contractures. Last evaluated: 2025-10-07. Review status: criteria provided, single submitter. Criteria: Invitae Variant Classification Sherloc (09022015). Collection method: clinical testing. Allele origin: germline.

CeGaT Center for Human Genetics Tuebingen
Classification: Likely benign. Last evaluated: 2024-06-01. Review status: criteria provided, single submitter. Criteria: CeGaT Center For Human Genetics Tuebingen Variant Classification Criteria Version 2. Collection method: clinical testing. Allele origin: germline. Affected: yes. Observed: 1 variant allele.
Comment: BICD2: BP4, BP7